The following is an entry in ClinVar:

ClinVar aggregate classification (germline): Benign. Review status: criteria provided, multiple submitters, no conflicts (2 of 4 stars). 3 submissions from 3 submitters: Benign (2). 1 of the submissions does not count toward it. Last evaluated 2018-06-14.

Conditions:
Becker muscular dystrophy (BMD). Also called: Becker Muscular Dystrophy (BMD); MUSCULAR DYSTROPHY, PSEUDOHYPERTROPHIC PROGRESSIVE, BECKER TYPE. Identifiers: Orphanet 98895, MedGen C0917713, MONDO:0010311, OMIM 300376.
Duchenne muscular dystrophy (DMD). Also called: Duchenne Muscular Dystrophy (DMD); MUSCULAR DYSTROPHY, PSEUDOHYPERTROPHIC PROGRESSIVE, DUCHENNE TYPE. Identifiers: Orphanet 98896, MedGen C0013264, MONDO:0010679, OMIM 310200.
Cardiomyopathy (CMYO). Also called: Cardiomyopathies. Identifiers: Orphanet 167848, MedGen C0878544, MONDO:0004994, HP:0001638. Inheritance: Various modes of inheritance.
Dystrophin deficiency.

Allele frequency attached by ClinVar (database versions not stated): gnomAD exomes 0.00452; gnomAD 0.06997 and 0.07490; 1000 Genomes Project 0.07417; 1000 Genomes Project 30x 0.07929; TOPMed 0.08048.
gnomAD v4.1: 7,776 of 118,130 alleles (6.6%); highest among the groups gnomAD compares: African/African-American, 24%; 717 homozygotes.

Submissions (3):

GeneDx
Classification: Benign. Last evaluated: 2018-06-14. Review status: criteria provided, single submitter. Criteria: GeneDx Variant Classification (06012015). Collection method: clinical testing. Allele origin: germline. Affected: yes.
Comment: This variant is considered likely benign or benign based on one or more of the following criteria: it is a conservative change, it occurs at a poorly conserved position in the protein, it is predicted to be benign by multiple in silico algorithms, and/or has population frequency not consistent with disease.

Eurofins Ntd Llc (ga)
Classification: Benign. Last evaluated: 2012-08-10. Review status: criteria provided, single submitter. Criteria: EGL Classification Definitions 2015. Collection method: clinical testing. Allele origin: germline. Observed: 7 variant alleles, 4 heterozygotes, 3 hemizygotes.

Natera, Inc.
Classification: Benign for Becker muscular dystrophy; Cardiomyopathy; Duchenne muscular dystrophy; Dystrophin deficiency. Last evaluated: 2017-04-20. Review status: no assertion criteria provided. Collection method: clinical testing. Allele origin: germline. Not counted in ClinVar's aggregate classification.

NM_004006.3(DMD):c.9225-603T>G

Gene: DMD (dystrophin; minus strand). Cytogenetic location: Xp21.2.
Variant type: single nucleotide variant.
Coding change: c.9225-603T>G on transcript NM_004006.3 (MANE Select); 603 bases into the intron before coding-DNA position 9225, T replaced by G.
Molecular consequence: intron variant.
Genome position (GRCh38, 1-based): chrX:31,261,619, A>C on the plus strand (T>G on the coding strand, the complement: DMD is on the minus strand). VCF-style: chrX-31261619-A-C. GRCh37 (hg19) VCF-style: chrX-31279736-A-C.
Other names: c.9201-603T>G (NM_000109.4); c.5202-603T>G (NM_004011.4); c.5193-603T>G (NM_004012.4); c.1845-603T>G (NM_004023.3, NM_004020.4, NM_004022.3 and 2 more transcripts); c.1038-603T>G (NM_004014.3); c.21-603T>G (NM_004018.3, NM_004017.3, NM_004016.3 and 2 more transcripts); c.9213-603T>G (NM_004009.3); c.8856-603T>G (NM_004010.3).
Identifiers: ClinVar variation 94835 (VCV000094835.5), dbSNP rs111482252, ClinGen allele CA147865.